The following is an entry in ClinVar:

NM_000565.4(IL6R):c.317T>G (p.Val106Gly)

Gene: IL6R (interleukin 6 receptor; plus strand). Cytogenetic location: 1q21.3.
Variant type: single nucleotide variant.
Coding change: c.317T>G on transcript NM_000565.4 (MANE Select); coding-DNA position 317, T replaced by G.
Protein change: p.Val106Gly; replaces valine 106 with glycine.
Molecular consequence: missense variant. On other transcripts: intron variant (1).
Genome position (GRCh38, 1-based): chr1:154,429,427, T>G. VCF-style: chr1-154429427-T-G. GRCh37 (hg19) VCF-style: chr1-154401903-T-G.
Other names: c.317T>G, p.Val106Gly (NM_001206866.2, NM_001382769.1, NM_001382770.1 and 4 more transcripts); c.126+191T>G (NM_001382774.1); short protein forms V106G.
Identifiers: ClinVar variation 1424188 (VCV001424188.9), dbSNP rs2149235781, ClinGen allele CA342605059.
Genomic context (GRCh38, chr1:154,429,427, plus strand): 5'-TGCAGCTCCACGACTCTGGAAACTATTCATGCTACCGGGCCGGCCGCCCAGCTGGGACTG[T>G]GCACTTGCTGGTGGATGGTGAGTTGTGCCTCAGAGGTCCCGGAGATAGTTCCCGTAAGAA-3'
Protein context (NP_000556.1, residues 96-116): CYRAGRPAGT[Val106Gly]HLLVDVPPEE

ClinVar aggregate classification (germline): Uncertain significance. Review status: criteria provided, multiple submitters, no conflicts (2 of 4 stars). 2 submissions from 2 submitters: Uncertain significance (2). Last evaluated 2022-09-09.

gnomAD v4.1: 2 of 1,610,758 alleles (0.00012%); highest among the groups gnomAD compares: Non-Finnish European, 0.000085%; no homozygotes.

Submissions (2):

Blueprint Genetics
Classification: Uncertain significance. Last evaluated: 2022-09-09. Review status: criteria provided, single submitter. Criteria: ACMG Guidelines, 2015. Collection method: clinical testing. Allele origin: germline.

Labcorp Genetics (formerly Invitae), Labcorp
Classification: Uncertain significance. Last evaluated: 2020-12-01. Review status: criteria provided, single submitter. Criteria: Invitae Variant Classification Sherloc (09022015). Collection method: clinical testing. Allele origin: germline.
Comment: In summary, the available evidence is currently insufficient to determine the role of this variant in disease. Therefore, it has been classified as a Variant of Uncertain Significance. Algorithms developed to predict the effect of missense changes on protein structure and function are either unavailable or do not agree on the potential impact of this missense change (SIFT: "Deleterious"; PolyPhen-2: "Possibly Damaging"; Align-GVGD: "Class C15"). This variant has not been reported in the literature in individuals with IL6R-related conditions. This variant is not present in population databases (ExAC no frequency). This sequence change replaces valine with glycine at codon 106 of the IL6R protein (p.Val106Gly). The valine residue is moderately conserved and there is a moderate physicochemical difference between valine and glycine.